The following is an entry in ClinVar:

NM_052876.4(NACC1):c.585C>T (p.Gly195=)

Gene: NACC1 (nucleus accumbens associated 1; plus strand). Cytogenetic location: 19p13.13.
Variant type: single nucleotide variant.
Coding change: c.585C>T on transcript NM_052876.4 (MANE Select); coding-DNA position 585, C replaced by T.
Protein change: p.Gly195=; no amino-acid change (glycine 195 retained).
Molecular consequence: synonymous variant.
Genome position (GRCh38, 1-based): chr19:13,135,792, C>T. VCF-style: chr19-13135792-C-T. GRCh37 (hg19) VCF-style: chr19-13246606-C-T.
Other names: c.585C>T (NM_052876.3).
Identifiers: ClinVar variation 1531709 (VCV001531709.11), dbSNP rs113254389, ClinGen allele CA9238294.

ClinVar aggregate classification (germline): Benign. Review status: criteria provided, multiple submitters, no conflicts (2 of 4 stars). 3 submissions from 3 submitters: Benign (2). 1 of the submissions does not count toward it. Last evaluated 2026-02-03.

Conditions:
NACC1-related disorder. Also called: NACC1-related condition.

Allele frequency attached by ClinVar (database versions not stated): gnomAD exomes 0.00205 and 0.00490; ExAC 0.01091; ESP Exome Variant Server 0.01855; gnomAD 0.02103 and 0.02253; TOPMed 0.02338; 1000 Genomes Project 30x 0.02405; 1000 Genomes Project 0.02416.

Submissions (3):

Labcorp Genetics (formerly Invitae), Labcorp
Classification: Benign. Last evaluated: 2026-02-03. Review status: criteria provided, single submitter. Criteria: Invitae Variant Classification Sherloc (09022015). Collection method: clinical testing. Allele origin: germline.

Breakthrough Genomics
Classification: Benign. Review status: criteria provided, single submitter. Criteria: ACMG Guidelines, 2015. Collection method: not provided. Allele origin: germline. Inheritance: Autosomal dominant inheritance. Affected: yes.

PreventionGenetics, part of Exact Sciences
Classification: Benign for NACC1-related condition. Last evaluated: 2019-07-18. Review status: no assertion criteria provided. Collection method: clinical testing. Allele origin: germline. Not counted in ClinVar's aggregate classification.
Comment: This variant is classified as benign based on ACMG/AMP sequence variant interpretation guidelines (Richards et al. 2015 PMID: 25741868, with internal and published modifications).